The following is an entry in ClinVar:

NM_001145809.2(MYH14):c.4561G>A (p.Ala1521Thr)

Gene: MYH14 (myosin heavy chain 14; plus strand). Cytogenetic location: 19q13.33.
Variant type: single nucleotide variant.
Coding change: c.4561G>A on transcript NM_001145809.2 (MANE Select); coding-DNA position 4561, G replaced by A.
Protein change: p.Ala1521Thr; replaces alanine 1521 with threonine.
Molecular consequence: missense variant.
Genome position (GRCh38, 1-based): chr19:50,286,503, G>A. VCF-style: chr19-50286503-G-A. GRCh37 (hg19) VCF-style: chr19-50789760-G-A.
Other names: c.4462G>A, p.Ala1488Thr (NM_001077186.2); c.4438G>A, p.Ala1480Thr (NM_024729.4); short protein forms A1488T, A1480T, A1521T.
Identifiers: ClinVar variation 4987821 (VCV004987821.1).

ClinVar aggregate classification (germline): Uncertain significance (1 of 4 stars; one submission).

Conditions:
MYH14-related disorder. Also called: MYH14-related condition.

gnomAD v4.1: 1 of 1,613,302 alleles (0.000062%); no homozygotes.

Submission:

PreventionGenetics, part of Exact Sciences
Classification: Uncertain significance for MYH14-related condition. Last evaluated: 2025-04-19. Review status: criteria provided, single submitter. Criteria: ACMG Guidelines, 2015. Collection method: clinical testing. Allele origin: germline.
Comment: The MYH14 c.4561G>A variant is predicted to result in the amino acid substitution p.Ala1521Thr. To our knowledge, this variant has not been reported in the literature or in a large population database (gnomAD), indicating this variant is rare. At this time, the clinical significance of this variant is uncertain due to the absence of conclusive functional and genetic evidence.